The following is an entry in ClinVar:

NM_004525.3(LRP2):c.12978C>T (p.Tyr4326=)

Gene: LRP2 (LDL receptor related protein 2; minus strand). Cytogenetic location: 2q31.1.
Variant type: single nucleotide variant.
Coding change: c.12978C>T on transcript NM_004525.3 (MANE Select); coding-DNA position 12978, C replaced by T.
Protein change: p.Tyr4326=; no amino-acid change (tyrosine 4326 retained).
Molecular consequence: synonymous variant.
Genome position (GRCh38, 1-based): chr2:169,145,757, G>A on the plus strand (C>T on the coding strand, the complement: LRP2 is on the minus strand). VCF-style: chr2-169145757-G-A. GRCh37 (hg19) VCF-style: chr2-170002267-G-A.
Identifiers: ClinVar variation 1581776 (VCV001581776.32), dbSNP rs1006770546, ClinGen allele CA59891998.

ClinVar aggregate classification (germline): Likely benign. Review status: criteria provided, multiple submitters, no conflicts (2 of 4 stars). 2 submissions from 2 submitters: Likely benign (2). Last evaluated 2025-03-03.

Allele frequency attached by ClinVar (database versions not stated): gnomAD exomes below 0.00001 and 0.00001.
gnomAD v4.1: 3 of 1,614,066 alleles (0.00019%); highest among the groups gnomAD compares: Non-Finnish European, 0.00025%; no homozygotes.

Submissions (2):

Labcorp Genetics (formerly Invitae), Labcorp
Classification: Likely benign. Last evaluated: 2025-03-03. Review status: criteria provided, single submitter. Criteria: Invitae Variant Classification Sherloc (09022015). Collection method: clinical testing. Allele origin: germline.

CeGaT Center for Human Genetics Tuebingen
Classification: Likely benign. Last evaluated: 2022-11-01. Review status: criteria provided, single submitter. Criteria: CeGaT Center For Human Genetics Tuebingen Variant Classification Criteria Version 2. Collection method: clinical testing. Allele origin: germline. Affected: yes. Observed: 1 variant allele.
Comment: LRP2: BP4, BP7